The following is an entry in ClinVar:

NM_022166.4(XYLT1):c.2223+6A>C

Gene: XYLT1 (xylosyltransferase 1; minus strand). Cytogenetic location: 16p12.3.
Variant type: single nucleotide variant.
Coding change: c.2223+6A>C on transcript NM_022166.4 (MANE Select); 6 bases into the intron after coding-DNA position 2223, A replaced by C.
Molecular consequence: intron variant.
Genome position (GRCh38, 1-based): chr16:17,127,660, T>G on the plus strand (A>C on the coding strand, the complement: XYLT1 is on the minus strand). VCF-style: chr16-17127660-T-G. GRCh37 (hg19) VCF-style: chr16-17221517-T-G.
Identifiers: ClinVar variation 1474114 (VCV001474114.6), dbSNP rs757535848, ClinGen allele CA7927643.

ClinVar aggregate classification (germline): Uncertain significance (1 of 4 stars; one submission).

Conditions:
Desbuquois dysplasia 1 (DBQD1). Also called: MICROMELIC DWARFISM WITH VERTEBRAL AND METAPHYSEAL ABNORMALITIES AND ADVANCED CARPOTARSAL OSSIFICATION; DESBUQUOIS DYSPLASIA 1, KIM VARIANT. Identifiers: Orphanet 1425, MedGen C4012146, MONDO:0009629, OMIM 251450.

Allele frequency attached by ClinVar (database versions not stated): gnomAD exomes below 0.00001 and 0.00001; TOPMed below 0.00001; ExAC 0.00001; gnomAD 0.00001.
gnomAD v4.1: 7 of 1,612,792 alleles (0.00043%); highest among the groups gnomAD compares: Non-Finnish European, 0.00059%; no homozygotes.

Submission:

Labcorp Genetics (formerly Invitae), Labcorp
Classification: Uncertain significance for Desbuquois dysplasia 1. Last evaluated: 2022-11-29. Review status: criteria provided, single submitter. Criteria: Invitae Variant Classification Sherloc (09022015). Collection method: clinical testing. Allele origin: germline.
Comment: ClinVar contains an entry for this variant (Variation ID: 1474114). In summary, the available evidence is currently insufficient to determine the role of this variant in disease. Therefore, it has been classified as a Variant of Uncertain Significance. Variants that disrupt the consensus splice site are a relatively common cause of aberrant splicing (PMID: 17576681, 9536098). Algorithms developed to predict the effect of sequence changes on RNA splicing suggest that this variant is not likely to affect RNA splicing. This variant has not been reported in the literature in individuals affected with XYLT1-related conditions. This variant is present in population databases (rs757535848, gnomAD 0.002%). This sequence change falls in intron 10 of the XYLT1 gene. It does not directly change the encoded amino acid sequence of the XYLT1 protein. It affects a nucleotide within the consensus splice site.

Literature cited by the submitters: PubMed 17576681; PubMed 9536098.